The following is an entry in ClinVar:

Conditions:
Long QT syndrome 5 (LQT5). Identifiers: Orphanet 101016, Orphanet 768, MedGen C1867904, MONDO:0013372, OMIM 613695.

Submission:

Roden Lab, Vanderbilt University Medical Center
No classification provided (evidence only). Condition: Long QT syndrome 5. Review status: no classification provided. Collection method: in vitro. Allele origin: not applicable. Functional consequence: Effect on ion channel function.
ClinVar note: "not provided" was previously submitted as the classification for the variant. However, the classification appeared to be based only on an observation of functional data so it was converted to no classification on 2025-07-30.

NM_000219.6(KCNE1):c.319T>C (p.Tyr107His)

Gene: KCNE1 (potassium voltage-gated channel subfamily E regulatory subunit 1; minus strand). Cytogenetic location: 21q22.12.
Variant type: single nucleotide variant.
Coding change: c.319T>C on transcript NM_000219.6 (MANE Select); coding-DNA position 319, T replaced by C.
Protein change: p.Tyr107His; replaces tyrosine 107 with histidine.
Molecular consequence: missense variant.
Genome position (GRCh38, 1-based): chr21:34,449,316, A>G on the plus strand (T>C on the coding strand, the complement: KCNE1 is on the minus strand). VCF-style: chr21-34449316-A-G. GRCh37 (hg19) VCF-style: chr21-35821614-A-G.
Other names: c.319T>C, p.Tyr107His (NM_001127668.4, NM_001127669.4, NM_001127670.4 and 4 more transcripts); short protein forms Y107H.
Identifiers: ClinVar variation 3374627 (VCV003374627.2).